The following is an entry in ClinVar:

ClinVar aggregate classification (germline): Uncertain significance (1 of 4 stars; one submission).

Allele frequency attached by ClinVar (database versions not stated): gnomAD exomes below 0.00001; TOPMed below 0.00001; gnomAD 0.00001.
gnomAD v4.1: 4 of 1,613,146 alleles (0.00025%); highest among the groups gnomAD compares: Non-Finnish European, 0.00034%; no homozygotes.

Submission:

Labcorp Genetics (formerly Invitae), Labcorp
Classification: Uncertain significance. Last evaluated: 2022-09-10. Review status: criteria provided, single submitter. Criteria: Invitae Variant Classification Sherloc (09022015). Collection method: clinical testing. Allele origin: germline.
Comment: In summary, the available evidence is currently insufficient to determine the role of this variant in disease. Therefore, it has been classified as a Variant of Uncertain Significance. Advanced modeling of protein sequence and biophysical properties (such as structural, functional, and spatial information, amino acid conservation, physicochemical variation, residue mobility, and thermodynamic stability) performed at Invitae indicates that this missense variant is not expected to disrupt CACNA1D protein function. This variant has not been reported in the literature in individuals affected with CACNA1D-related conditions. This variant is not present in population databases (gnomAD no frequency). This sequence change replaces glutamine, which is neutral and polar, with arginine, which is basic and polar, at codon 1410 of the CACNA1D protein (p.Gln1410Arg).

NM_001128840.3(CACNA1D):c.4169A>G (p.Gln1390Arg)

Gene: CACNA1D (calcium voltage-gated channel subunit alpha1 D; plus strand). Cytogenetic location: 3p21.1.
Variant type: single nucleotide variant.
Coding change: c.4169A>G on transcript NM_001128840.3 (MANE Select); coding-DNA position 4169, A replaced by G.
Protein change: p.Gln1390Arg; replaces glutamine 1390 with arginine.
Molecular consequence: missense variant.
Genome position (GRCh38, 1-based): chr3:53,774,645, A>G. VCF-style: chr3-53774645-A-G. GRCh37 (hg19) VCF-style: chr3-53808672-A-G.
Other names: c.4229A>G, p.Gln1410Arg (NM_000720.4); c.4124A>G, p.Gln1375Arg (NM_001128839.3); short protein forms Q1375R, Q1410R, Q1390R.
Identifiers: ClinVar variation 1941572 (VCV001941572.5), dbSNP rs1245897871, ClinGen allele CA353241316.